The following is an entry in ClinVar:

ClinVar aggregate classification (germline): Uncertain significance (1 of 4 stars; one submission).

Submission:

Labcorp Genetics (formerly Invitae), Labcorp
Classification: Uncertain significance. Last evaluated: 2023-06-10. Review status: criteria provided, single submitter. Criteria: Invitae Variant Classification Sherloc (09022015). Collection method: clinical testing. Allele origin: germline.
Comment: In summary, the available evidence is currently insufficient to determine the role of this variant in disease. Therefore, it has been classified as a Variant of Uncertain Significance. Advanced modeling of protein sequence and biophysical properties (such as structural, functional, and spatial information, amino acid conservation, physicochemical variation, residue mobility, and thermodynamic stability) performed at Invitae indicates that this missense variant is not expected to disrupt MTOR protein function. This variant has not been reported in the literature in individuals affected with MTOR-related conditions. This variant is not present in population databases (gnomAD no frequency). This sequence change replaces isoleucine, which is neutral and non-polar, with valine, which is neutral and non-polar, at codon 2356 of the MTOR protein (p.Ile2356Val).

NM_004958.4(MTOR):c.7066A>G (p.Ile2356Val)

Gene: MTOR (mechanistic target of rapamycin kinase; minus strand). Cytogenetic location: 1p36.22.
Variant type: single nucleotide variant.
Coding change: c.7066A>G on transcript NM_004958.4 (MANE Select); coding-DNA position 7066, A replaced by G.
Protein change: p.Ile2356Val; replaces isoleucine 2356 with valine.
Molecular consequence: missense variant.
Genome position (GRCh38, 1-based): chr1:11,115,419, T>C on the plus strand (A>G on the coding strand, the complement: MTOR is on the minus strand). VCF-style: chr1-11115419-T-C. GRCh37 (hg19) VCF-style: chr1-11175476-T-C.
Other names: c.7066A>G, p.Ile2356Val (NM_001386500.1); c.5818A>G, p.Ile1940Val (NM_001386501.1); short protein forms I1940V, I2356V.
Identifiers: ClinVar variation 2708827 (VCV002708827.3), dbSNP rs2522089061, ClinGen allele CA338382212.